The following is an entry in ClinVar:

NM_001127222.2(CACNA1A):c.2885G>T (p.Arg962Leu)

Gene: CACNA1A (calcium voltage-gated channel subunit alpha1 A; minus strand). Cytogenetic location: 19p13.13.
Variant type: single nucleotide variant.
Coding change: c.2885G>T on transcript NM_001127222.2 (MANE Select); coding-DNA position 2885, G replaced by T.
Protein change: p.Arg962Leu; replaces arginine 962 with leucine.
Molecular consequence: missense variant.
Genome position (GRCh38, 1-based): chr19:13,298,748, C>A on the plus strand (G>T on the coding strand, the complement: CACNA1A is on the minus strand). VCF-style: chr19-13298748-C-A. GRCh37 (hg19) VCF-style: chr19-13409562-C-A.
Other names: c.2897G>T, p.Arg966Leu (NM_000068.4, NM_023035.3); c.2888G>T, p.Arg963Leu (NM_001127221.2, NM_001174080.2); short protein forms R962L, R963L, R966L.
Identifiers: ClinVar variation 3364100 (VCV003364100.2).

ClinVar aggregate classification (germline): Uncertain significance (1 of 4 stars; one submission).

gnomAD v4.1: 2 of 1,509,124 alleles (0.00013%); highest among the groups gnomAD compares: African/African-American, 0.0014%; no homozygotes.

Submission:

GeneDx
Classification: Uncertain significance. Last evaluated: 2025-12-22. Review status: criteria provided, single submitter. Criteria: GeneDx Variant Classification Process June 2021. Collection method: clinical testing. Allele origin: germline.
Comment: Not observed at significant frequency in large population cohorts (gnomAD); In silico analysis supports that this missense variant has a deleterious effect on protein structure/function; Has not been previously published as pathogenic or benign to our knowledge